The following is an entry in ClinVar:

ClinVar aggregate classification (germline): Conflicting classifications of pathogenicity. Review status: criteria provided, conflicting classifications (1 of 4 stars). 15 submissions from 15 submitters: Uncertain significance (9); Likely benign (5). 1 of the submissions does not count toward it. Last evaluated 2026-01-28.

Conditions:
Familial adenomatous polyposis 1 (FAP1). Also called: POLYPOSIS, ADENOMATOUS INTESTINAL; FAMILIAL ADENOMATOUS POLYPOSIS 1, ATTENUATED. Identifiers: MedGen C2713442, MONDO:0021056, OMIM 175100. Disease mechanism: loss of function.
Desmoid disease, hereditary (DESMD). Also called: FIBROMATOSIS, FAMILIAL INFILTRATIVE. Identifiers: Orphanet 873, MedGen C1851124, OMIM 135290. Disease mechanism: loss of function.
Hepatocellular carcinoma (HCC). Also called: Primary carcinoma of liver; HEPATOMA; LIVER CELL CARCINOMA. Identifiers: Orphanet 88673, MedGen C2239176, MONDO:0007256, OMIM 114550, HP:0001402.
Gastric adenocarcinoma and proximal polyposis of the stomach (GAPPS). Also called: Polyposis, gastric, Dos Santos and de Magalhaes 1980; Gastric Adenocarcinoma and Proximal Polyposis of the Stomach (GAPPS); POLYPOSIS, GASTRIC. Identifiers: Orphanet 314022, MedGen C4749917, MONDO:0017790, OMIM 619182.
Gastric cancer. Also called: Stomach cancer; Malignant tumor of stomach. Identifiers: MedGen C0024623, MeSH D013274, MONDO:0001056, OMIM 613659, HP:0012126.
Colorectal cancer. Also called: Malignant Colorectal Neoplasm; Colorectal cancer, somatic. Identifiers: MedGen C0346629, MONDO:0005575, OMIM 114500.
APC-related disorder. Also called: APC-related condition.
Hereditary cancer-predisposing syndrome. Also called: Tumor predisposition; Neoplastic Syndromes, Hereditary; Hereditary Cancer Syndrome; Hereditary neoplastic syndrome. Identifiers: Orphanet 140162, MedGen C0027672, MeSH D009386, MONDO:0015356.

Allele frequency attached by ClinVar (database versions not stated): gnomAD exomes 0.00004 and 0.00007; TOPMed 0.00004; ExAC 0.00005.
gnomAD v4.1: 111 of 1,614,042 alleles (0.0069%); highest among the groups gnomAD compares: Non-Finnish European, 0.0085%; no homozygotes.

Submissions (15):

Labcorp Genetics (formerly Invitae), Labcorp
Classification: Uncertain significance for Familial adenomatous polyposis 1. Last evaluated: 2026-01-28. Review status: criteria provided, single submitter. Criteria: Invitae Variant Classification Sherloc (09022015). Collection method: clinical testing. Allele origin: germline.
Comment: This sequence change replaces threonine, which is neutral and polar, with serine, which is neutral and polar, at codon 1082 of the APC protein (p.Thr1082Ser). This variant is present in population databases (rs730881244, gnomAD 0.01%). This missense change has been observed in individual(s) with colorectal cancer (PMID: 25142776, 25559809, 34250417). ClinVar contains an entry for this variant (Variation ID: 181799). Invitae Evidence Modeling of protein sequence and biophysical properties (such as structural, functional, and spatial information, amino acid conservation, physicochemical variation, residue mobility, and thermodynamic stability) indicates that this missense variant is not expected to disrupt APC protein function with a negative predictive value of 95%. In summary, the available evidence is currently insufficient to determine the role of this variant in disease. Therefore, it has been classified as a Variant of Uncertain Significance.

PreventionGenetics, part of Exact Sciences
Classification: Uncertain significance for APC-related condition. Last evaluated: 2026-01-13. Review status: criteria provided, single submitter. Criteria: ACMG Guidelines, 2015. Collection method: clinical testing. Allele origin: germline.
Comment: The APC c.3245C>G variant is predicted to result in the amino acid substitution p.Thr1082Ser. This variant has been observed in individuals with colorectal cancer (Table A1, Chubb et al. 2015. PubMed ID: 25559809; Kraus et al. 2015. PubMed ID: 25142776; Pearlman et al. 2021. PubMed ID: 34250417). This variant is reported in 0.012% of alleles in individuals of European (Finnish) descent in gnomAD and has conflicting interpretations regarding its pathogenicity in ClinVar, ranging from likely benign to uncertain (Variation ID: 181799). Although we suspect that this variant may be benign, at this time, the clinical significance of this variant is uncertain due to the absence of conclusive functional and genetic evidence.

Quest Diagnostics Nichols Institute San Juan Capistrano
Classification: Uncertain significance. Last evaluated: 2025-05-18. Review status: criteria provided, single submitter. Criteria: Quest Diagnostics criteria. Collection method: clinical testing. Allele origin: unknown.
Comment: The APC c.3245C>G (p.Thr1082Ser) variant has been reported in the published literature in individuals affected with colorectal cancer (PMID: 25142776 (2015), 25559809 (2015), 34250417 (2021)). The frequency of this variant in the general population (Genome Aggregation Database) is higher than would generally be expected for pathogenic variants in this gene. Analysis of this variant using bioinformatics tools for the prediction of the effect of amino acid changes on protein structure and function yielded predictions that this variant is benign. Based on the available information, we are unable to determine the clinical significance of this variant.

Center for Genomic Medicine, Rigshospitalet, Copenhagen University Hospital
Classification: Uncertain significance. Last evaluated: 2025-03-04. Review status: criteria provided, single submitter. Criteria: ACMG Guidelines, 2015. Collection method: clinical testing. Allele origin: germline.

Laboratory of Genetics, Children's Clinical University Hospital Latvia
Classification: Likely benign. Last evaluated: 2025-02-16. Review status: criteria provided, single submitter. Criteria: ACMG Guidelines, 2015. Collection method: clinical testing. Allele origin: germline. Affected: yes.

Color Diagnostics, LLC DBA Color Health
Classification: Likely benign for Hereditary cancer-predisposing syndrome. Last evaluated: 2024-09-17. Review status: criteria provided, single submitter. Criteria: ACMG Guidelines, 2015. Collection method: clinical testing. Allele origin: germline.

Blueprint Genetics
Classification: Likely benign. Last evaluated: 2024-04-03. Review status: criteria provided, single submitter. Criteria: ACMG Guidelines, 2015. Collection method: clinical testing. Allele origin: germline.

Fulgent Genetics
Classification: Uncertain significance for Colorectal cancer; Hepatocellular carcinoma; Desmoid disease, hereditary; Familial adenomatous polyposis 1; Gastric cancer; Gastric adenocarcinoma and proximal polyposis of the stomach. Last evaluated: 2024-01-30. Review status: criteria provided, single submitter. Criteria: ACMG Guidelines, 2015. Collection method: clinical testing. Allele origin: germline.

GeneDx
Classification: Uncertain significance. Last evaluated: 2023-11-21. Review status: criteria provided, single submitter. Criteria: GeneDx Variant Classification Process June 2021. Collection method: clinical testing. Allele origin: germline. Affected: yes.
Comment: In silico analysis supports that this missense variant does not alter protein structure/function; Observed in individuals with colorectal cancer (PMID: 25142776, 25559809); This variant is associated with the following publications: (PMID: 25142776, 25559809, 28873162, 18199528)

Myriad Genetics, Inc.
Classification: Uncertain significance for Familial adenomatous polyposis 1. Last evaluated: 2023-02-17. Review status: criteria provided, single submitter. Criteria: Myriad Autosomal Dominant, Autosomal Recessive and X-Linked Classification Criteria (2023). Collection method: clinical testing. Allele origin: unknown.
Comment: This variant is classified as a variant of uncertain significance as there is insufficient evidence to determine its impact on protein function and/or cancer risk.

CeGaT Center for Human Genetics Tuebingen
Classification: Likely benign. Last evaluated: 2023-01-01. Review status: criteria provided, single submitter. Criteria: CeGaT Center For Human Genetics Tuebingen Variant Classification Criteria Version 2. Collection method: clinical testing. Allele origin: germline. Affected: yes. Observed: 1 variant allele.
Comment: APC: BP4

Women's Health and Genetics/Laboratory Corporation of America, LabCorp
Classification: Uncertain significance. Last evaluated: 2022-10-21. Review status: criteria provided, single submitter. Criteria: LabCorp Variant Classification Summary - May 2015. Collection method: clinical testing. Allele origin: germline.
Comment: Variant summary: APC c.3245C>G (p.Thr1082Ser) results in a conservative amino acid change in the encoded protein sequence. Five of five in-silico tools predict a benign effect of the variant on protein function. The variant allele was found at a frequency of 4.4e-05 in 250314 control chromosomes. This frequency is not significantly higher than expected for a pathogenic variant in APC causing Familial Adenomatous Polyposis (4.4e-05 vs 7.1e-05), allowing no conclusion about variant significance. c.3245C>G has been reported in the literature in individuals affected with colorectal cancer (Chubb_2015, Kraus_2015, Pearlman_2021). These reports do not provide unequivocal conclusions about association of the variant with Familial Adenomatous Polyposis. To our knowledge, no experimental evidence demonstrating an impact on protein function has been reported. Seven clinical diagnostic laboratories have submitted clinical-significance assessments for this variant to ClinVar after 2014 without evidence for independent evaluation. Six submitters classified the variant as VUS while one classified as likely benign. Based on the evidence outlined above, the variant was classified as uncertain significance.

Sema4
Classification: Uncertain significance for Hereditary cancer-predisposing syndrome. Last evaluated: 2021-09-14. Review status: criteria provided, single submitter. Criteria: Sema4 Curation Guidelines. Collection method: curation. Allele origin: germline.
Comment: The APC c.3245C>G (p.T1082S) variant has been reported in heterozygosity in at least one individual with colorectal cancer and at least one individual with advance cancer (PMID: 25142776, 28873162). It was observed in 13/281722 chromosomes in the large and broad cohorts of the Genome Aggregation Database (PMID: 32461654). This variant has been reported in ClinVar (Variation ID 181799). Functional studies have not been performed, and in silico predictions of the variant's effect on protein function are inconclusive. There is no indication that this variant causes disease, but the evidence is insufficient currently to prove that conclusively. Thus, the clinical significance of this variant is currently uncertain.

Ambry Genetics
Classification: Likely benign for Hereditary cancer-predisposing syndrome. Last evaluated: 2021-05-21. Review status: criteria provided, single submitter. Criteria: Ambry Variant Classification Scheme 2023. Collection method: clinical testing. Allele origin: germline.

Counsyl
Classification: Uncertain significance for Familial adenomatous polyposis 1. Last evaluated: 2016-08-30. Review status: no assertion criteria provided. Collection method: clinical testing. Allele origin: unknown. Not counted in ClinVar's aggregate classification.

Literature cited by the submitters: PubMed 25142776 (cited by 6 submitters); PubMed 25559809 (cited by 5 submitters); PubMed 34250417 (cited by 3 submitters); PubMed 28873162 (cited by Sema4).

NM_000038.6(APC):c.3245C>G (p.Thr1082Ser)

Gene: APC (APC regulator of Wnt signaling pathway; plus strand). Cytogenetic location: 5q22.2.
Variant type: single nucleotide variant.
Coding change: c.3245C>G on transcript NM_000038.6 (MANE Select); coding-DNA position 3245, C replaced by G.
Protein change: p.Thr1082Ser; replaces threonine 1082 with serine.
Molecular consequence: missense variant.
Genome position (GRCh38, 1-based): chr5:112,838,839, C>G. VCF-style: chr5-112838839-C-G. GRCh37 (hg19) VCF-style: chr5-112174536-C-G.
Other names: p.T1082S:ACT>AGT; c.3245C>G, p.Thr1082Ser (NM_001127510.3, NM_001354895.2); c.3191C>G, p.Thr1064Ser (NM_001127511.3); c.3299C>G, p.Thr1100Ser (NM_001354896.2); c.3275C>G, p.Thr1092Ser (NM_001354897.2); c.3170C>G, p.Thr1057Ser (NM_001354898.2); c.3161C>G, p.Thr1054Ser (NM_001354899.2); c.3122C>G, p.Thr1041Ser (NM_001354900.2); and 6 more; short protein forms T1064S, T1082S, T1092S, T922S, T1041S, T1023S, T1054S, T1057S.
Identifiers: ClinVar variation 181799 (VCV000181799.63), dbSNP rs730881244, ClinGen allele CA008176.
Genomic context (GRCh38, chr5:112,838,839, plus strand): 5'-AAAGTGAGCAAAGACAATCAAGGAATCAAAGTACAACTTATCCTGTTTATACTGAGAGCA[C>G]TGATGATAAACACCTCAAGTTCCAACCACATTTTGGACAGCAGGAATGTGTTTCTCCATA-3'
Protein context (NP_000029.2, residues 1072-1092): STTYPVYTES[Thr1082Ser]DDKHLKFQPH